The following is an entry in ClinVar:

ClinVar aggregate classification (germline): Uncertain significance. Review status: criteria provided, multiple submitters, no conflicts (2 of 4 stars). 2 submissions from 2 submitters: Uncertain significance (2). Last evaluated 2023-05-18.

Conditions:
Hereditary cancer-predisposing syndrome. Also called: Tumor predisposition; Hereditary neoplastic syndrome; Neoplastic Syndromes, Hereditary; Hereditary Cancer Syndrome. Identifiers: Orphanet 140162, MedGen C0027672, MeSH D009386, MONDO:0015356.

Submissions (2):

Ambry Genetics
Classification: Uncertain significance for Hereditary cancer-predisposing syndrome. Last evaluated: 2023-05-18. Review status: criteria provided, single submitter. Criteria: Ambry Variant Classification Scheme 2023. Collection method: clinical testing. Allele origin: germline.
Comment: The p.A745S variant (also known as c.2233G>T), located in coding exon 15 of the CTNNA1 gene, results from a G to T substitution at nucleotide position 2233. The alanine at codon 745 is replaced by serine, an amino acid with similar properties. This amino acid position is conserved. In addition, this alteration is predicted to be tolerated by in silico analysis. Since supporting evidence is limited at this time, the clinical significance of this alteration remains unclear.

Labcorp Genetics (formerly Invitae), Labcorp
Classification: Uncertain significance. Last evaluated: 2022-07-29. Review status: criteria provided, single submitter. Criteria: Invitae Variant Classification Sherloc (09022015). Collection method: clinical testing. Allele origin: germline.
Comment: This sequence change replaces alanine, which is neutral and non-polar, with serine, which is neutral and polar, at codon 745 of the CTNNA1 protein (p.Ala745Ser). This variant is not present in population databases (gnomAD no frequency). This variant has not been reported in the literature in individuals affected with CTNNA1-related conditions. ClinVar contains an entry for this variant (Variation ID: 1494409). Algorithms developed to predict the effect of missense changes on protein structure and function are either unavailable or do not agree on the potential impact of this missense change (SIFT: "Deleterious"; PolyPhen-2: "Possibly Damaging"; Align-GVGD: "Class C0"). In summary, the available evidence is currently insufficient to determine the role of this variant in disease. Therefore, it has been classified as a Variant of Uncertain Significance.

NM_001903.5(CTNNA1):c.2233G>T (p.Ala745Ser)

Gene: CTNNA1 (catenin alpha 1; plus strand). Cytogenetic location: 5q31.2.
Variant type: single nucleotide variant.
Coding change: c.2233G>T on transcript NM_001903.5 (MANE Select); coding-DNA position 2233, G replaced by T.
Protein change: p.Ala745Ser; replaces alanine 745 with serine.
Molecular consequence: missense variant.
Genome position (GRCh38, 1-based): chr5:138,930,870, G>T. VCF-style: chr5-138930870-G-T. GRCh37 (hg19) VCF-style: chr5-138266559-G-T.
Other names: c.2233G>T (NM_001903.2); c.2233G>T, p.Ala745Ser (NM_001290307.3, NM_001323982.2, NM_001323983.1 and 2 more transcripts); c.1924G>T, p.Ala642Ser (NM_001290309.3); c.1864G>T, p.Ala622Ser (NM_001290310.3); c.1123G>T, p.Ala375Ser (NM_001290312.1, NM_001323987.1, NM_001323988.1 and 17 more transcripts); c.2140G>T, p.Ala714Ser (NM_001323986.2); c.784G>T, p.Ala262Ser (NM_001324006.1, NM_001324007.1, NM_001324008.1 and 2 more transcripts); c.1030G>T, p.Ala344Ser (NM_001324011.1); and 1 more; short protein forms A375S, A262S, A344S, A642S, A714S, A745S, A294S, A622S.
Identifiers: ClinVar variation 1494409 (VCV001494409.10), dbSNP rs2150337180, ClinGen allele CA361133834.
Genomic context (GRCh38, chr5:138,930,870, plus strand): 5'-GTTCTCTTCCCTCTTCTCAGAGGTAAAGGACCACTCAAAAATACATCGGATGTCATCAGT[G>T]CTGCCAAGAAAATTGCTGAGGCAGGATCCAGGATGGACAAGCTTGGCCGCACCATTGCAG-3'
Protein context (NP_001894.2, residues 735-755): PLKNTSDVIS[Ala745Ser]AKKIAEAGSR